The following is an entry in ClinVar:

ClinVar aggregate classification (germline): Uncertain significance. Review status: criteria provided, multiple submitters, no conflicts (2 of 4 stars). 3 submissions from 3 submitters: Uncertain significance (3). Last evaluated 2023-11-20.

Conditions:
Inborn genetic diseases. Identifiers: MedGen C0950123, MeSH D030342.
ALG12-congenital disorder of glycosylation (CDG1G). Also called: CDG Ig; Congenital disorder of glycosylation, type Ig; ALG12-CDG. Identifiers: Orphanet 79324, MedGen C2931001, MONDO:0011783, OMIM 607143.

Allele frequency attached by ClinVar (database versions not stated): gnomAD 0.00001; gnomAD exomes 0.00001; TOPMed 0.00001.
gnomAD v4.1: 21 of 1,614,044 alleles (0.0013%); highest among the groups gnomAD compares: Non-Finnish European, 0.0016%; no homozygotes.

Submissions (3):

Ambry Genetics
Classification: Uncertain significance for Inborn genetic diseases. Last evaluated: 2023-11-20. Review status: criteria provided, single submitter. Criteria: Ambry Variant Classification Scheme 2023. Collection method: clinical testing. Allele origin: germline.

Labcorp Genetics (formerly Invitae), Labcorp
Classification: Uncertain significance for ALG12-congenital disorder of glycosylation. Last evaluated: 2021-02-18. Review status: criteria provided, single submitter. Criteria: Invitae Variant Classification Sherloc (09022015). Collection method: clinical testing. Allele origin: germline.
Comment: Algorithms developed to predict the effect of missense changes on protein structure and function output the following: SIFT: "Tolerated"; PolyPhen-2: "Benign"; Align-GVGD: "Class C0". The leucine amino acid residue is found in multiple mammalian species, suggesting that this missense change does not adversely affect protein function. These predictions have not been confirmed by published functional studies and their clinical significance is uncertain. In summary, the available evidence is currently insufficient to determine the role of this variant in disease. Therefore, it has been classified as a Variant of Uncertain Significance. This variant has not been reported in the literature in individuals with ALG12-related conditions. ClinVar contains an entry for this variant (Variation ID: 342058). This sequence change replaces phenylalanine with leucine at codon 109 of the ALG12 protein (p.Phe109Leu). The phenylalanine residue is weakly conserved and there is a small physicochemical difference between phenylalanine and leucine. This variant is not present in population databases (ExAC no frequency).

Illumina Laboratory Services, Illumina
Classification: Uncertain significance for ALG12-congenital disorder of glycosylation. Last evaluated: 2018-01-13. Review status: criteria provided, single submitter. Criteria: ICSL Variant Classification Criteria 13 December 2019. Collection method: clinical testing. Allele origin: germline.

NM_024105.4(ALG12):c.327T>G (p.Phe109Leu)

Gene: ALG12 (ALG12 alpha-1,6-mannosyltransferase; minus strand). Cytogenetic location: 22q13.33.
Variant type: single nucleotide variant.
Coding change: c.327T>G on transcript NM_024105.4 (MANE Select); coding-DNA position 327, T replaced by G.
Protein change: p.Phe109Leu; replaces phenylalanine 109 with leucine.
Molecular consequence: missense variant.
Genome position (GRCh38, 1-based): chr22:49,910,576, A>C on the plus strand (T>G on the coding strand, the complement: ALG12 is on the minus strand). VCF-style: chr22-49910576-A-C. GRCh37 (hg19) VCF-style: chr22-50304224-A-C.
Other names: short protein forms F109L.
Identifiers: ClinVar variation 342058 (VCV000342058.12), dbSNP rs886057614, ClinGen allele CA10645706.